The following is an entry in ClinVar:

NM_003238.6(TGFB2):c.782G>C (p.Ser261Thr)

Gene: TGFB2 (transforming growth factor beta 2; plus strand). Cytogenetic location: 1q41.
Variant type: single nucleotide variant.
Coding change: c.782G>C on transcript NM_003238.6 (MANE Select); coding-DNA position 782, G replaced by C.
Protein change: p.Ser261Thr; replaces serine 261 with threonine.
Molecular consequence: missense variant.
Genome position (GRCh38, 1-based): chr1:218,435,997, G>C. VCF-style: chr1-218435997-G-C. GRCh37 (hg19) VCF-style: chr1-218609339-G-C.
Other names: c.866G>C, p.Ser289Thr (NM_001135599.4); short protein forms S261T, S289T.
Identifiers: ClinVar variation 4811261 (VCV004811261.1).

ClinVar aggregate classification (germline): Uncertain significance (1 of 4 stars; one submission).

Conditions:
Loeys-Dietz syndrome 4 (LDS4). Also called: ANEURYSM, AORTIC AND CEREBRAL, WITH ARTERIAL TORTUOSITY AND SKELETAL MANIFESTATIONS; TGFB2-Related Loeys-Dietz Syndrome. Identifiers: MedGen C3553762, MONDO:0013897, OMIM 614816.

Submission:

Labcorp Genetics (formerly Invitae), Labcorp
Classification: Uncertain significance for Loeys-Dietz syndrome 4. Last evaluated: 2025-02-13. Review status: criteria provided, single submitter. Criteria: Invitae Variant Classification Sherloc (09022015). Collection method: clinical testing. Allele origin: germline.
Comment: This sequence change replaces serine, which is neutral and polar, with threonine, which is neutral and polar, at codon 261 of the TGFB2 protein (p.Ser261Thr). This variant is not present in population databases (gnomAD no frequency). This variant has not been reported in the literature in individuals affected with TGFB2-related conditions. Invitae Evidence Modeling of protein sequence and biophysical properties (such as structural, functional, and spatial information, amino acid conservation, physicochemical variation, residue mobility, and thermodynamic stability) indicates that this missense variant is not expected to disrupt TGFB2 protein function with a negative predictive value of 95%. In summary, the available evidence is currently insufficient to determine the role of this variant in disease. Therefore, it has been classified as a Variant of Uncertain Significance.